The following is an entry in ClinVar:

ClinVar aggregate classification (germline): Uncertain significance. Review status: criteria provided, multiple submitters, no conflicts (2 of 4 stars). 3 submissions from 3 submitters: Uncertain significance (3). Last evaluated 2025-05-11.

Allele frequency attached by ClinVar (database versions not stated): gnomAD exomes 0.00001.
gnomAD v4.1: 8 of 1,614,216 alleles (0.0005%); highest among the groups gnomAD compares: Middle Eastern, 0.099%; no homozygotes.

Submissions (3):

Labcorp Genetics (formerly Invitae), Labcorp
Classification: Uncertain significance. Last evaluated: 2025-05-11. Review status: criteria provided, single submitter. Criteria: Invitae Variant Classification Sherloc (09022015). Collection method: clinical testing. Allele origin: germline.
Comment: This sequence change replaces isoleucine, which is neutral and non-polar, with valine, which is neutral and non-polar, at codon 887 of the TRRAP protein (p.Ile887Val). This variant is not present in population databases (gnomAD no frequency). This variant has not been reported in the literature in individuals affected with TRRAP-related conditions. ClinVar contains an entry for this variant (Variation ID: 2437351). Invitae Evidence Modeling of protein sequence and biophysical properties (such as structural, functional, and spatial information, amino acid conservation, physicochemical variation, residue mobility, and thermodynamic stability) indicates that this missense variant is not expected to disrupt TRRAP protein function with a negative predictive value of 80%. In summary, the available evidence is currently insufficient to determine the role of this variant in disease. Therefore, it has been classified as a Variant of Uncertain Significance.

Revvity Omics, Revvity
Classification: Uncertain significance. Last evaluated: 2022-06-29. Review status: criteria provided, single submitter. Criteria: ACMG Guidelines, 2015. Collection method: clinical testing. Allele origin: germline.

Blueprint Genetics
Classification: Uncertain significance. Last evaluated: 2021-11-10. Review status: criteria provided, single submitter. Criteria: ACMG Guidelines, 2015. Collection method: clinical testing. Allele origin: germline.

NM_001375524.1(TRRAP):c.2659A>G (p.Ile887Val)

Gene: TRRAP (transformation/transcription domain associated protein; plus strand). Cytogenetic location: 7q22.1.
Variant type: single nucleotide variant.
Coding change: c.2659A>G on transcript NM_001375524.1 (MANE Select); coding-DNA position 2659, A replaced by G.
Protein change: p.Ile887Val; replaces isoleucine 887 with valine.
Molecular consequence: missense variant.
Genome position (GRCh38, 1-based): chr7:98,921,789, A>G. VCF-style: chr7-98921789-A-G. GRCh37 (hg19) VCF-style: chr7-98519412-A-G.
Other names: c.2659A>G, p.Ile887Val (NM_001244580.2, NM_003496.4); short protein forms I887V.
Identifiers: ClinVar variation 2437351 (VCV002437351.5), dbSNP rs2484747970, ClinGen allele CA368293916.